The following is an entry in ClinVar:

NM_014285.7(EXOSC2):c.10G>C (p.Glu4Gln)

Gene: EXOSC2 (exosome component 2; plus strand). Cytogenetic location: 9q34.12.
Variant type: single nucleotide variant.
Coding change: c.10G>C on transcript NM_014285.7 (MANE Select); coding-DNA position 10, G replaced by C.
Protein change: p.Glu4Gln; replaces glutamic acid 4 with glutamine.
Molecular consequence: missense variant. On other transcripts: non-coding transcript variant (1).
Genome position (GRCh38, 1-based): chr9:130,693,801, G>C. VCF-style: chr9-130693801-G-C. GRCh37 (hg19) VCF-style: chr9-133569188-G-C.
Other names: c.10G>C, p.Glu4Gln (NM_001282708.1, NM_001282709.1); short protein forms E4Q.
Identifiers: ClinVar variation 1900645 (VCV001900645.2), dbSNP rs1342334997, ClinGen allele CA375245873.
Genomic context (GRCh38, chr9:130,693,801, plus strand): 5'-GATATCGCAGCTCCCGACTGAGCTGCGCCTGCGCAACTCATTGGCGCCAAGATGGCGATG[G>C]AGATGAGGCTTCCAGTGGCTCGCAAGCCTCTTAGCGAGAGACTGGGCCGCGACACTAAGA-3'
Protein context (NP_055100.2, residues 1-14): MAM[Glu4Gln]MRLPVARKPL

ClinVar aggregate classification (germline): Uncertain significance (1 of 4 stars; one submission).

Allele frequency attached by ClinVar (database versions not stated): gnomAD exomes below 0.00001.
gnomAD v4.1: 2 of 1,607,904 alleles (0.00012%); highest among the groups gnomAD compares: Admixed American, 0.0034%; no homozygotes.

Submission:

Labcorp Genetics (formerly Invitae), Labcorp
Classification: Uncertain significance. Last evaluated: 2022-08-12. Review status: criteria provided, single submitter. Criteria: Invitae Variant Classification Sherloc (09022015). Collection method: clinical testing. Allele origin: germline.
Comment: This sequence change replaces glutamic acid, which is acidic and polar, with glutamine, which is neutral and polar, at codon 4 of the EXOSC2 protein (p.Glu4Gln). This variant is present in population databases (no rsID available, gnomAD 0.006%). This variant has not been reported in the literature in individuals affected with EXOSC2-related conditions. Algorithms developed to predict the effect of missense changes on protein structure and function (SIFT, PolyPhen-2, Align-GVGD) all suggest that this variant is likely to be tolerated. In summary, the available evidence is currently insufficient to determine the role of this variant in disease. Therefore, it has been classified as a Variant of Uncertain Significance.